The following is an entry in ClinVar:

NM_015978.3(TNNI3K):c.368G>A (p.Ser123Asn)

Genes: FPGT-TNNI3K (FPGT-TNNI3K readthrough; plus strand), TNNI3K (TNNI3 interacting kinase; plus strand). Cytogenetic location: 1p31.1.
Variant type: single nucleotide variant.
Coding change: c.368G>A on transcript NM_015978.3 (MANE Select); coding-DNA position 368, G replaced by A.
Protein change: p.Ser123Asn; replaces serine 123 with asparagine.
Molecular consequence: missense variant.
Genome position (GRCh38, 1-based): chr1:74,271,632, G>A. VCF-style: chr1-74271632-G-A. GRCh37 (hg19) VCF-style: chr1-74737316-G-A.
Other names: c.671G>A, p.Ser224Asn (NM_001112808.3, NM_001199327.2); short protein forms S123N, S224N.
Identifiers: ClinVar variation 1959692 (VCV001959692.7), dbSNP rs200103498, ClinGen allele CA908877.
Genomic context (GRCh38, chr1:74,271,632, plus strand): 5'-AACACTAAAGATATGTTTCCTTACAGGATAATGCAGAATTGATCACTTCTCTGCTTCACA[G>A]TGGAGCTGATATACAGCAGGTTGGATACGGTGGCCTCACTGCCCTCCATATTGCTACAAT-3'
Protein context (NP_057062.1, residues 113-133): NAELITSLLH[Ser123Asn]GADIQQVGYG

ClinVar aggregate classification (germline): Uncertain significance. Review status: criteria provided, multiple submitters, no conflicts (2 of 4 stars). 3 submissions from 3 submitters: Uncertain significance (3). Last evaluated 2026-01-25.

Conditions:
Atrial conduction disease. Identifiers: Orphanet 436242, MedGen CN221670, MONDO:0014500.
Inborn genetic diseases. Identifiers: MedGen C0950123, MeSH D030342.

Allele frequency attached by ClinVar (database versions not stated): gnomAD 0.00002; TOPMed 0.00002; gnomAD exomes 0.00003; ExAC 0.00006; 1000 Genomes Project 30x 0.00047.
gnomAD v4.1: 40 of 1,608,812 alleles (0.0025%); highest among the groups gnomAD compares: South Asian, 0.042%; no homozygotes.

Submissions (3):

Labcorp Genetics (formerly Invitae), Labcorp
Classification: Uncertain significance. Last evaluated: 2026-01-25. Review status: criteria provided, single submitter. Criteria: Invitae Variant Classification Sherloc (09022015). Collection method: clinical testing. Allele origin: germline.
Comment: This sequence change replaces serine, which is neutral and polar, with asparagine, which is neutral and polar, at codon 123 of the TNNI3K protein (p.Ser123Asn). This variant is present in population databases (rs200103498, gnomAD 0.05%), and has an allele count higher than expected for a pathogenic variant. This variant has not been reported in the literature in individuals affected with TNNI3K-related conditions. ClinVar contains an entry for this variant (Variation ID: 1959692). Invitae Evidence Modeling of protein sequence and biophysical properties (such as structural, functional, and spatial information, amino acid conservation, physicochemical variation, residue mobility, and thermodynamic stability) indicates that this missense variant is not expected to disrupt TNNI3K protein function with a negative predictive value of 80%. In summary, the available evidence is currently insufficient to determine the role of this variant in disease. Therefore, it has been classified as a Variant of Uncertain Significance.

Genome-Nilou Lab
Classification: Uncertain significance for Cardiac conduction disease with or without dilated cardiomyopathy 1. Last evaluated: 2023-04-11. Review status: criteria provided, single submitter. Criteria: ACMG Guidelines, 2015. Collection method: clinical testing. Allele origin: germline. Affected: no.

Ambry Genetics
Classification: Uncertain significance for Inborn genetic diseases. Last evaluated: 2021-08-12. Review status: criteria provided, single submitter. Criteria: Ambry Variant Classification Scheme 2023. Collection method: clinical testing. Allele origin: germline.